The following is an entry in ClinVar:

ClinVar aggregate classification (germline): Likely pathogenic (1 of 4 stars; one submission).

Conditions:
Holocarboxylase synthetase deficiency. Also called: MULTIPLE CARBOXYLASE DEFICIENCY, EARLY ONSET. Identifiers: Orphanet 79242, MedGen C0268581, MONDO:0009666, OMIM 253270.

Submission:

Myriad Genetics, Inc.
Classification: Likely pathogenic for Holocarboxylase synthetase deficiency. Last evaluated: 2022-05-07. Review status: criteria provided, single submitter. Criteria: Myriad Women's Health Autosomal Recessive and X-Linked Classification Criteria (2021). Collection method: clinical testing. Allele origin: unknown.
Comment: NM_000411.6(HLCS):c.175delG(E59Sfs*199) is expected to be pathogenic in the context of holocarboxylase synthetase deficiency. This variant is predicted to lead to an abnormal or absent protein product due to the creation of a premature termination codon in HLCS, a gene where loss-of-function variants are known to be pathogenic. Please note: this variant was assessed in the context of healthy population screening.

NM_001352514.2(HLCS):c.616del (p.Glu206fs)

Gene: HLCS (holocarboxylase synthetase; minus strand). Cytogenetic location: 21q22.13.
Variant type: Deletion.
Coding change: c.616del on transcript NM_001352514.2 (MANE Select); coding-DNA position 616, one base deleted (G; older notation c.616delG).
Protein change: p.Glu206fs; shifts the reading frame from glutamic acid 206.
Molecular consequence: frameshift variant. On other transcripts: non-coding transcript variant (2).
Genome position (GRCh38, 1-based): chr21:36,937,270, C deleted on the plus strand (G on the coding strand, the reverse complement: HLCS is on the minus strand); the first of 2 consecutive C bases (chr21:36,937,270-36,937,271); deleting either gives the same sequence. VCF-style (leftmost placement, unchanged base first): chr21-36937269-TC-T. GRCh37 (hg19) VCF-style: chr21-38309569-TC-T.
Other names: c.175del, p.Glu59fs (NM_000411.8, NM_001242784.3, NM_001242785.2 and 4 more transcripts); short protein forms E206fs, E59fs.
Identifiers: ClinVar variation 1726029 (VCV001726029.2), dbSNP rs2517582422, ClinGen allele CA2580098723.